The following is an entry in ClinVar:

NM_004006.3(DMD):c.2563dup (p.Ile855fs)

Gene: DMD (dystrophin; minus strand). Cytogenetic location: Xp21.1.
Variant type: Duplication.
Coding change: c.2563dup on transcript NM_004006.3 (MANE Select); coding-DNA position 2563, one base duplicated (A; older notation c.2563dupA).
Protein change: p.Ile855fs; shifts the reading frame from isoleucine 855.
Molecular consequence: frameshift variant.
Genome position (GRCh38, 1-based): chrX:32,491,336, T duplicated on the plus strand (A on the coding strand, the reverse complement: DMD is on the minus strand); the first of 4 consecutive T bases (chrX:32,491,336-32,491,339); duplicating any one gives the same sequence. VCF-style (leftmost placement, unchanged base first): chrX-32491335-A-AT. GRCh37 (hg19) VCF-style: chrX-32509452-A-AT.
Other names: c.2539dup, p.Ile847fs (NM_000109.4); c.2551dup, p.Ile851fs (NM_004009.3); c.2194dup, p.Ile732fs (NM_004010.3); short protein forms I855fs, I732fs, I847fs, I851fs.
Identifiers: ClinVar variation 2015184 (VCV002015184.4), dbSNP rs2525049931, ClinGen allele CA2580100683.
Genomic context (GRCh38, chrX:32,491,335, plus strand): 5'-ACCTTACAAATTTTTAACTGACTTTTAATTGCTGTTGGCTCTGATGGGGTGGTGGGTTGG[A>AT]TTTTCAACCAGTTTTCAGCAGTAGTTGTCATCTGCTCCAATTGTTGTAGCTGATTATAGA-3'

ClinVar aggregate classification (germline): Pathogenic (1 of 4 stars; one submission).

Conditions:
Duchenne muscular dystrophy (DMD). Also called: MUSCULAR DYSTROPHY, PSEUDOHYPERTROPHIC PROGRESSIVE, DUCHENNE TYPE; Duchenne Muscular Dystrophy (DMD). Identifiers: Orphanet 98896, MedGen C0013264, MONDO:0010679, OMIM 310200.

Submission:

Labcorp Genetics (formerly Invitae), Labcorp
Classification: Pathogenic for Duchenne muscular dystrophy. Last evaluated: 2022-07-08. Review status: criteria provided, single submitter. Criteria: Invitae Variant Classification Sherloc (09022015). Collection method: clinical testing. Allele origin: germline.
Comment: This sequence change creates a premature translational stop signal (p.Ile855Asnfs*13) in the DMD gene. It is expected to result in an absent or disrupted protein product. Loss-of-function variants in DMD are known to be pathogenic (PMID: 16770791, 25007885). This variant is not present in population databases (gnomAD no frequency). This variant has not been reported in the literature in individuals affected with DMD-related conditions. For these reasons, this variant has been classified as Pathogenic.

Literature cited by the submitters: PubMed 16770791; PubMed 25007885.